The following is an entry in ClinVar:

NM_000452.3(SLC10A2):c.610C>T (p.Leu204Phe)

Gene: SLC10A2 (solute carrier family 10 member 2; minus strand). Cytogenetic location: 13q33.1.
Variant type: single nucleotide variant.
Coding change: c.610C>T on transcript NM_000452.3 (MANE Select); coding-DNA position 610, C replaced by T.
Protein change: p.Leu204Phe; replaces leucine 204 with phenylalanine.
Molecular consequence: missense variant.
Genome position (GRCh38, 1-based): chr13:103,051,408, G>A on the plus strand (C>T on the coding strand, the complement: SLC10A2 is on the minus strand). VCF-style: chr13-103051408-G-A. GRCh37 (hg19) VCF-style: chr13-103703758-G-A.
Other names: short protein forms L204F.
Identifiers: ClinVar variation 594506 (VCV000594506.8), dbSNP rs887200351, ClinGen allele CA255204068.

ClinVar aggregate classification (germline): Uncertain significance. Review status: criteria provided, multiple submitters, no conflicts (2 of 4 stars). 2 submissions from 2 submitters: Uncertain significance (2). Last evaluated 2022-10-31.

Allele frequency attached by ClinVar (database versions not stated): gnomAD below 0.00001 and 0.00002; gnomAD exomes below 0.00001 and 0.00001; TOPMed below 0.00001.
gnomAD v4.1: 13 of 1,613,884 alleles (0.00081%); highest among the groups gnomAD compares: South Asian, 0.013%; no homozygotes.

Submissions (2):

Labcorp Genetics (formerly Invitae), Labcorp
Classification: Uncertain significance. Last evaluated: 2022-10-31. Review status: criteria provided, single submitter. Criteria: Invitae Variant Classification Sherloc (09022015). Collection method: clinical testing. Allele origin: germline.
Comment: In summary, the available evidence is currently insufficient to determine the role of this variant in disease. Therefore, it has been classified as a Variant of Uncertain Significance. Advanced modeling of protein sequence and biophysical properties (such as structural, functional, and spatial information, amino acid conservation, physicochemical variation, residue mobility, and thermodynamic stability) performed at Invitae indicates that this missense variant is not expected to disrupt SLC10A2 protein function. ClinVar contains an entry for this variant (Variation ID: 594506). This variant has not been reported in the literature in individuals affected with SLC10A2-related conditions. This variant is present in population databases (no rsID available, gnomAD 0.003%). This sequence change replaces leucine, which is neutral and non-polar, with phenylalanine, which is neutral and non-polar, at codon 204 of the SLC10A2 protein (p.Leu204Phe).

Eurofins Ntd Llc (ga)
Classification: Uncertain significance. Last evaluated: 2017-10-11. Review status: criteria provided, single submitter. Criteria: EGL Classification Definitions 2015. Collection method: clinical testing. Allele origin: germline. Observed: 1 variant allele, 1 heterozygote.